The following is an entry in ClinVar:

NM_139276.3(STAT3):c.348A>G (p.Leu116=)

Gene: STAT3 (signal transducer and activator of transcription 3; minus strand). Cytogenetic location: 17q21.2.
Variant type: single nucleotide variant.
Coding change: c.348A>G on transcript NM_139276.3 (MANE Select); coding-DNA position 348, A replaced by G.
Protein change: p.Leu116=; no amino-acid change (leucine 116 retained).
Molecular consequence: synonymous variant. On other transcripts: intron variant (1).
Genome position (GRCh38, 1-based): chr17:42,345,583, T>C on the plus strand (A>G on the coding strand, the complement: STAT3 is on the minus strand). VCF-style: chr17-42345583-T-C. GRCh37 (hg19) VCF-style: chr17-40497601-T-C.
Other names: c.348A>G, p.Leu116= (NM_001369512.1, NM_001369513.1, NM_001369514.1 and 16 more transcripts); c.274-4A>G (NM_001384985.1); c.348A>G (NM_139276.2).
Identifiers: ClinVar variation 1589306 (VCV001589306.10), dbSNP rs200960081, ClinGen allele CA8575664.

ClinVar aggregate classification (germline): Likely benign. Review status: criteria provided, single submitter (1 of 4 stars). 2 submissions from 2 submitters: Likely benign (1). 1 of the submissions does not count toward it. Last evaluated 2025-02-06.

Conditions:
Hyper-IgE recurrent infection syndrome 1, autosomal dominant. Also called: Job's Syndrome; STAT3 Hyper IgE Syndrome; Hyper-IgE recurrent infection syndrome 1; JOB SYNDROME; HYPER-IgE SYNDROME 1, AUTOSOMAL DOMINANT, WITH RECURRENT INFECTIONS. Identifiers: Orphanet 2314, MedGen C2936739, MONDO:0007818, OMIM 147060.
STAT3 gain of function. Identifiers: MedGen C4288261.
STAT3-related disorder. Also called: STAT3-related condition.

Allele frequency attached by ClinVar (database versions not stated): TOPMed below 0.00001; gnomAD 0.00001 and 0.00002; gnomAD exomes 0.00003; ExAC 0.00004; 1000 Genomes Project 0.00020; 1000 Genomes Project 30x 0.00031.
gnomAD v4.1: 21 of 1,607,262 alleles (0.0013%); highest among the groups gnomAD compares: East Asian, 0.047%; no homozygotes.

Submissions (2):

Labcorp Genetics (formerly Invitae), Labcorp
Classification: Likely benign for STAT3 gain of function; Hyper-IgE recurrent infection syndrome 1, autosomal dominant. Last evaluated: 2025-02-06. Review status: criteria provided, single submitter. Criteria: Invitae Variant Classification Sherloc (09022015). Collection method: clinical testing. Allele origin: germline.

PreventionGenetics, part of Exact Sciences
Classification: Likely benign for STAT3-related condition. Last evaluated: 2020-12-08. Review status: no assertion criteria provided. Collection method: clinical testing. Allele origin: germline. Not counted in ClinVar's aggregate classification.
Comment: This variant is classified as likely benign based on ACMG/AMP sequence variant interpretation guidelines (Richards et al. 2015 PMID: 25741868, with internal and published modifications).